The following is an entry in ClinVar:

ClinVar aggregate classification (germline): Uncertain significance. Review status: criteria provided, multiple submitters, no conflicts (2 of 4 stars). 4 submissions from 4 submitters: Uncertain significance (3). 1 of the submissions does not count toward it. Last evaluated 2023-04-11.

Conditions:
Hereditary insensitivity to pain with anhidrosis (CIPA). Also called: HSAN Type IV; FAMILIAL DYSAUTONOMIA, TYPE II; NEUROPATHY, CONGENITAL SENSORY, WITH ANHIDROSIS; hereditary sensory and autonomic neuropathy type 4; INSENSITIVITY TO PAIN, CONGENITAL, WITH ANHIDROSIS; NTRK1 Congenital Insensitivity to Pain with Anhidrosis. Identifiers: Orphanet 642, MedGen C0020074, MONDO:0009746, OMIM 256800.
Inborn genetic diseases. Identifiers: MedGen C0950123, MeSH D030342.

Allele frequency attached by ClinVar (database versions not stated): gnomAD 0.00001; ExAC 0.00002; TOPMed 0.00002.
gnomAD v4.1: 53 of 1,612,980 alleles (0.0033%); highest among the groups gnomAD compares: Middle Eastern, 0.017%; no homozygotes.

Submissions (4):

Genome-Nilou Lab
Classification: Uncertain significance for Hereditary insensitivity to pain with anhidrosis. Last evaluated: 2023-04-11. Review status: criteria provided, single submitter. Criteria: ACMG Guidelines, 2015. Collection method: clinical testing. Allele origin: germline. Affected: no.

Ambry Genetics
Classification: Uncertain significance for Inborn genetic diseases. Last evaluated: 2022-08-04. Review status: criteria provided, single submitter. Criteria: Ambry Variant Classification Scheme 2023. Collection method: clinical testing. Allele origin: germline.

Labcorp Genetics (formerly Invitae), Labcorp
Classification: Uncertain significance for Hereditary insensitivity to pain with anhidrosis. Last evaluated: 2022-03-18. Review status: criteria provided, single submitter. Criteria: Invitae Variant Classification Sherloc (09022015). Collection method: clinical testing. Allele origin: germline.
Comment: This sequence change replaces proline, which is neutral and non-polar, with leucine, which is neutral and non-polar, at codon 335 of the NTRK1 protein (p.Pro335Leu). This variant is present in population databases (rs758490619, gnomAD 0.009%). This variant has not been reported in the literature in individuals affected with NTRK1-related conditions. ClinVar contains an entry for this variant (Variation ID: 662005). Advanced modeling of protein sequence and biophysical properties (such as structural, functional, and spatial information, amino acid conservation, physicochemical variation, residue mobility, and thermodynamic stability) performed at Invitae indicates that this missense variant is not expected to disrupt NTRK1 protein function. In summary, the available evidence is currently insufficient to determine the role of this variant in disease. Therefore, it has been classified as a Variant of Uncertain Significance.

Natera, Inc.
Classification: Uncertain significance for Hereditary insensitivity to pain with anhidrosis. Last evaluated: 2020-11-03. Review status: no assertion criteria provided. Collection method: clinical testing. Allele origin: germline. Not counted in ClinVar's aggregate classification.

NM_002529.4(NTRK1):c.1004C>T (p.Pro335Leu)

Gene: NTRK1 (neurotrophic receptor tyrosine kinase 1; plus strand). Cytogenetic location: 1q23.1.
Variant type: single nucleotide variant.
Coding change: c.1004C>T on transcript NM_002529.4 (MANE Select); coding-DNA position 1004, C replaced by T.
Protein change: p.Pro335Leu; replaces proline 335 with leucine.
Molecular consequence: missense variant.
Genome position (GRCh38, 1-based): chr1:156,873,786, C>T. VCF-style: chr1-156873786-C-T. GRCh37 (hg19) VCF-style: chr1-156843578-C-T.
Other names: c.914C>T, p.Pro305Leu (NM_001007792.1); c.1004C>T, p.Pro335Leu (NM_001012331.2); short protein forms P335L, P305L.
Identifiers: ClinVar variation 662005 (VCV000662005.11), dbSNP rs758490619, ClinGen allele CA1169165.